The following is an entry in ClinVar:

NM_012200.4(B3GAT3):c.58CTC[1] (p.Leu21del)

Gene: B3GAT3 (beta-1,3-glucuronyltransferase 3; minus strand). Cytogenetic location: 11q12.3.
Variant type: Microsatellite.
Coding change: c.58CTC[1] on transcript NM_012200.4 (MANE Select); one copy of the 3-base unit CTC starting at c.58; the reference has two copies in a row; one copy, 3 bases deleted.
Protein change: p.Leu21del; deletes leucine 21.
Molecular consequence: inframe deletion. On other transcripts: 5 prime UTR variant (1), non-coding transcript variant (1).
Genome position (GRCh38, 1-based): chr11:62,621,885-62,621,887, GAG deleted on the plus strand (CTC on the coding strand, the reverse complement: B3GAT3 is on the minus strand); deleting any 3 consecutive bases within chr11:62,621,885-62,621,891 gives the same sequence; the position shown is the placement nearest the transcript's 3' end. VCF-style (leftmost placement, unchanged base first): chr11-62621884-AGAG-A. GRCh37 (hg19) VCF-style: chr11-62389356-AGAG-A.
Other names: c.-203CTC[1] (NM_001288721.2); c.58CTC[1], p.Leu21del (NM_001288722.2, NM_001288723.2); short protein forms L21del.
Identifiers: ClinVar variation 1035403 (VCV001035403.6), dbSNP rs1565079578, ClinGen allele CA918895718.

ClinVar aggregate classification (germline): Uncertain significance (1 of 4 stars; one submission).

Conditions:
Larsen-like syndrome, B3GAT3 type. Also called: MULTIPLE JOINT DISLOCATIONS, SHORT STATURE, AND CRANIOFACIAL DYSMORPHISM WITH OR WITHOUT CONGENITAL HEART DEFECTS; Multiple joint dislocations, short stature, craniofacial dysmorphism, with or without congenital heart defects. Identifiers: Orphanet 284139, MedGen CN034159, MONDO:0009511, OMIM 245600.

Submission:

Labcorp Genetics (formerly Invitae), Labcorp
Classification: Uncertain significance for Larsen-like syndrome, B3GAT3 type. Last evaluated: 2021-08-31. Review status: criteria provided, single submitter. Criteria: Invitae Variant Classification Sherloc (09022015). Collection method: clinical testing. Allele origin: germline.
Comment: This variant, c.61_63del, results in the deletion of 1 amino acid(s) of the B3GAT3 protein (p.Leu21del), but otherwise preserves the integrity of the reading frame. This variant is not present in population databases (ExAC no frequency). This variant has been observed in individual(s) with clinical features B3GAT3-related conditions (Invitae). In at least one individual the data is consistent with the variant being in trans (on the opposite chromosome) from a pathogenic variant. Experimental studies and prediction algorithms are not available or were not evaluated, and the functional significance of this variant is currently unknown. In summary, the available evidence is currently insufficient to determine the role of this variant in disease. Therefore, it has been classified as a Variant of Uncertain Significance.